The following is an entry in ClinVar:

ClinVar aggregate classification (germline): Uncertain significance. Review status: criteria provided, multiple submitters, no conflicts (2 of 4 stars). 3 submissions from 3 submitters: Uncertain significance (3). Last evaluated 2024-05-14.

Conditions:
Breast and/or ovarian cancer. Identifiers: MedGen CN221562.
Hereditary cancer-predisposing syndrome. Also called: Tumor predisposition; Hereditary Cancer Syndrome; Neoplastic Syndromes, Hereditary; Hereditary neoplastic syndrome. Identifiers: Orphanet 140162, MedGen C0027672, MeSH D009386, MONDO:0015356.
Hereditary breast ovarian cancer syndrome. Also called: BRCA1- and BRCA2-Associated Hereditary Breast and Ovarian Cancer; Hereditary breast and ovarian cancer syndrome; Hereditary breast and ovarian cancer; Hereditary breast and ovarian cancer syndrome (HBOC); Hereditary breast and/or ovarian cancer syndrome; Breast and ovarian cancer. Identifiers: Orphanet 145, MedGen C0677776, MeSH D061325, MONDO:0003582. Disease mechanism: loss of function.

Submissions (3):

Labcorp Genetics (formerly Invitae), Labcorp
Classification: Uncertain significance for Hereditary breast ovarian cancer syndrome. Last evaluated: 2024-05-14. Review status: criteria provided, single submitter. Criteria: Invitae Variant Classification Sherloc (09022015). Collection method: clinical testing. Allele origin: germline.
Comment: This sequence change falls in intron 15 of the BRCA1 gene. It does not directly change the encoded amino acid sequence of the BRCA1 protein. It affects a nucleotide within the consensus splice site. This variant is not present in population databases (gnomAD no frequency). This variant has not been reported in the literature in individuals affected with BRCA1-related conditions. ClinVar contains an entry for this variant (Variation ID: 626613). Variants that disrupt the consensus splice site are a relatively common cause of aberrant splicing (PMID: 17576681, 9536098). Algorithms developed to predict the effect of sequence changes on RNA splicing suggest that this variant may disrupt the consensus splice site. In summary, the available evidence is currently insufficient to determine the role of this variant in disease. Therefore, it has been classified as a Variant of Uncertain Significance.

Ambry Genetics
Classification: Uncertain significance for Hereditary cancer-predisposing syndrome. Last evaluated: 2023-06-19. Review status: criteria provided, single submitter. Criteria: Ambry Variant Classification Scheme 2023. Collection method: clinical testing. Allele origin: germline.
Comment: The c.4987-4delT intronic variant, located in intron 14 of the BRCA1 gene, results from a deletion of one nucleotide within intron 14 of the BRCA1 gene. This nucleotide position is highly conserved in available vertebrate species. In silico splice site analysis predicts that this alteration will weaken the native splice acceptor site. Since supporting evidence is limited at this time, the clinical significance of this alteration remains unclear.

CHEO Genetics Diagnostic Laboratory, Children's Hospital of Eastern Ontario
Classification: Uncertain significance for Breast and/or ovarian cancer. Last evaluated: 2022-09-19. Review status: criteria provided, single submitter. Criteria: ACMG Guidelines, 2015. Collection method: clinical testing. Allele origin: germline. Study: Canadian Open Genetics Repository.

Literature cited by the submitters: PubMed 17576681 (cited by Labcorp Genetics (formerly Invitae), Labcorp); PubMed 9536098 (cited by Labcorp Genetics (formerly Invitae), Labcorp).

NM_007294.4(BRCA1):c.4987-4del

Gene: BRCA1 (BRCA1 DNA repair associated; minus strand). Cytogenetic location: 17q21.31.
Variant type: Deletion.
Coding change: c.4987-4del on transcript NM_007294.4 (MANE Select); 4 bases into the intron before coding-DNA position 4987, one base deleted (T; older notation c.4987-4delT).
Molecular consequence: intron variant.
Genome position (GRCh38, 1-based): chr17:43,067,699, A deleted on the plus strand (T on the coding strand, the reverse complement: BRCA1 is on the minus strand); the first of 3 consecutive A bases (chr17:43,067,699-43,067,701); deleting any one gives the same sequence. VCF-style (leftmost placement, unchanged base first): chr17-43067698-GA-G. GRCh37 (hg19) VCF-style: chr17-41219715-GA-G.
Other names: c.4987-4delT (NM_007294.3); c.1534-4del (NM_001408458.1, NM_001408461.1, NM_001408464.1 and 7 more transcripts); c.4096-4del (NM_001407967.1); c.4606-4del (NM_001407959.1); c.4720-4del (NM_001407931.1, NM_001407932.1, NM_001407928.1 and 4 more transcripts); c.4843-4del (NM_001407747.1, NM_001407745.1, NM_001407737.1 and 21 more transcripts); c.4603-4del (NM_001407962.1, NM_001407960.1); c.1174-4del (NM_001408512.1); and 72 more.
Identifiers: ClinVar variation 626613 (VCV000626613.15), dbSNP rs1567772535, ClinGen allele CA913190341.